The following is an entry in ClinVar:

NM_000264.5(PTCH1):c.1598T>G (p.Phe533Cys)

Gene: PTCH1 (patched 1; minus strand). Cytogenetic location: 9q22.32.
Variant type: single nucleotide variant.
Coding change: c.1598T>G on transcript NM_000264.5 (MANE Select); coding-DNA position 1598, T replaced by G.
Protein change: p.Phe533Cys; replaces phenylalanine 533 with cysteine.
Molecular consequence: missense variant. On other transcripts: non-coding transcript variant (1).
Genome position (GRCh38, 1-based): chr9:95,476,763, A>C on the plus strand (T>G on the coding strand, the complement: PTCH1 is on the minus strand). VCF-style: chr9-95476763-A-C. GRCh37 (hg19) VCF-style: chr9-98239045-A-C.
Other names: c.1400T>G, p.Phe467Cys (NM_001083602.3); c.1595T>G, p.Phe532Cys (NM_001083603.3); c.1145T>G, p.Phe382Cys (NM_001083604.3, NM_001083605.3, NM_001083606.3 and 1 more transcripts); c.1442T>G, p.Phe481Cys (NM_001354918.2); short protein forms F382C, F467C, F481C, F532C, F533C.
Identifiers: ClinVar variation 819637 (VCV000819637.5), dbSNP rs1318015818, ClinGen allele CA374118152.

ClinVar aggregate classification (germline): Uncertain significance (1 of 4 stars; one submission).

Conditions:
Hereditary cancer-predisposing syndrome. Also called: Neoplastic Syndromes, Hereditary; Tumor predisposition; Hereditary Cancer Syndrome; Hereditary neoplastic syndrome. Identifiers: Orphanet 140162, MedGen C0027672, MeSH D009386, MONDO:0015356.

Allele frequency attached by ClinVar (database versions not stated): TOPMed below 0.00001.
gnomAD v4.1: 1 of 1,613,532 alleles (0.000062%); highest among the groups gnomAD compares: Non-Finnish European, 0.000085%; no homozygotes.

Submission:

Ambry Genetics
Classification: Uncertain significance for Hereditary cancer-predisposing syndrome. Last evaluated: 2025-08-26. Review status: criteria provided, single submitter. Criteria: Ambry Variant Classification Scheme 2023. Collection method: clinical testing. Allele origin: germline.
Comment: The p.F533C variant (also known as c.1598T>G), located in coding exon 11 of the PTCH1 gene, results from a T to G substitution at nucleotide position 1598. The phenylalanine at codon 533 is replaced by cysteine, an amino acid with highly dissimilar properties. This amino acid position is highly conserved in available vertebrate species. In addition, this alteration is predicted to be deleterious by in silico analysis. Since supporting evidence is limited at this time, the clinical significance of this alteration remains unclear.